The following is an entry in ClinVar:

ClinVar aggregate classification (germline): Benign. Review status: criteria provided, multiple submitters, no conflicts (2 of 4 stars). 6 submissions from 6 submitters: Benign (6). Last evaluated 2026-02-03.

Conditions:
Doyne honeycomb retinal dystrophy (DHRD). Also called: DOYNE HONEYCOMB DEGENERATION OF RETINA; MALATTIA LEVENTINESE; DRUSEN, RADIAL, AUTOSOMAL DOMINANT. Identifiers: Orphanet 75376, MedGen C1832174, MONDO:0007471, OMIM 126600.

Allele frequency attached by ClinVar (database versions not stated): gnomAD exomes 0.14900 and 0.16094; ExAC 0.16584; gnomAD 0.18234 and 0.18643; ESP Exome Variant Server 0.18261; TOPMed 0.19009; 1000 Genomes Project 30x 0.22736; 1000 Genomes Project 0.22943.
gnomAD v4.1: 247,007 of 1,613,408 alleles (15%); highest among the groups gnomAD compares: South Asian, 34%; 22,317 homozygotes.

Submissions (6):

Labcorp Genetics (formerly Invitae), Labcorp
Classification: Benign. Last evaluated: 2026-02-03. Review status: criteria provided, single submitter. Criteria: Invitae Variant Classification Sherloc (09022015). Collection method: clinical testing. Allele origin: germline.

Genome-Nilou Lab
Classification: Benign for Doyne honeycomb retinal dystrophy. Last evaluated: 2021-07-30. Review status: criteria provided, single submitter. Criteria: ACMG Guidelines, 2015. Collection method: clinical testing. Allele origin: germline. Affected: no.

GeneDx
Classification: Benign. Last evaluated: 2018-11-10. Review status: criteria provided, single submitter. Criteria: GeneDx Variant Classification Process June 2021. Collection method: clinical testing. Allele origin: germline. Affected: yes.

Illumina Laboratory Services, Illumina
Classification: Benign for Doyne honeycomb retinal dystrophy. Last evaluated: 2018-01-13. Review status: criteria provided, single submitter. Criteria: ICSL Variant Classification Criteria 13 December 2019. Collection method: clinical testing. Allele origin: germline.
Comment: This variant was observed in the ICSL laboratory as part of a predisposition screen in an ostensibly healthy population. It had not been previously curated by ICSL or reported in the Human Gene Mutation Database (HGMD: prior to June 1st, 2018), and was therefore a candidate for classification through an automated scoring system. Utilizing variant allele frequency, disease prevalence and penetrance estimates, and inheritance mode, an automated score was calculated to assess if this variant is too frequent to cause the disease. Based on the score and internal cut-off values, a variant classified as benign is not then subjected to further curation. The score for this variant resulted in a classification of benign for this disease.

Eurofins Ntd Llc (ga)
Classification: Benign. Last evaluated: 2013-12-17. Review status: criteria provided, single submitter. Criteria: EGL Classification Definitions 2015. Collection method: clinical testing. Allele origin: germline. Observed: 1 variant allele, 1 heterozygote.

Breakthrough Genomics
Classification: Benign. Review status: criteria provided, single submitter. Criteria: ACMG Guidelines, 2015. Collection method: not provided. Allele origin: germline. Inheritance: Autosomal dominant inheritance. Affected: yes.

NM_001039348.3(EFEMP1):c.518-13A>G

Gene: EFEMP1 (EGF-like fibulin extracellular matrix protein 1; minus strand). Cytogenetic location: 2p16.1.
Variant type: single nucleotide variant.
Coding change: c.518-13A>G on transcript NM_001039348.3 (MANE Select); 13 bases into the intron before coding-DNA position 518, A replaced by G.
Molecular consequence: intron variant.
Genome position (GRCh38, 1-based): chr2:55,881,747, T>C on the plus strand (A>G on the coding strand, the complement: EFEMP1 is on the minus strand). VCF-style: chr2-55881747-T-C. GRCh37 (hg19) VCF-style: chr2-56108882-T-C.
Other names: c.518-13A>G (NM_001039349.3).
Identifiers: ClinVar variation 167031 (VCV000167031.23), dbSNP rs3748959, ClinGen allele CA179993.